The following is an entry in ClinVar:

ClinVar aggregate classification (germline): Likely benign (1 of 4 stars; one submission).

Conditions:
SCYL1-related disorder. Also called: SCYL1-related condition.

gnomAD v4.1: 4 of 1,609,878 alleles (0.00025%); highest among the groups gnomAD compares: African/African-American, 0.004%; no homozygotes.

Submission:

PreventionGenetics, part of Exact Sciences
Classification: Likely benign for SCYL1-related condition. Last evaluated: 2026-08-06. Review status: criteria provided, single submitter. Criteria: ACMG Guidelines, 2015. Collection method: clinical testing. Allele origin: germline.
Comment: This variant is classified as likely benign based on ACMG/AMP sequence variant interpretation guidelines (Richards et al. 2015 PMID: 25741868, with internal and published modifications).

NM_020680.4(SCYL1):c.1419C>T (p.Ser473=)

Gene: SCYL1 (SCY1 like pseudokinase 1; plus strand). Cytogenetic location: 11q13.1.
Variant type: single nucleotide variant.
Coding change: c.1419C>T on transcript NM_020680.4 (MANE Select); coding-DNA position 1419, C replaced by T.
Protein change: p.Ser473=; no amino-acid change (serine 473 retained).
Molecular consequence: synonymous variant.
Genome position (GRCh38, 1-based): chr11:65,535,985, C>T. VCF-style: chr11-65535985-C-T. GRCh37 (hg19) VCF-style: chr11-65303456-C-T.
Other names: c.1419C>T, p.Ser473= (NM_001048218.2, NM_001411022.1, NM_001425179.1 and 16 more transcripts); c.1416C>T, p.Ser472= (NM_001425180.1, NM_001425183.1); c.1341C>T, p.Ser447= (NM_001425187.1); c.1335C>T, p.Ser445= (NM_001425189.1); c.1305C>T, p.Ser435= (NM_001425191.1); c.1164C>T, p.Ser388= (NM_001425199.1); c.1155C>T, p.Ser385= (NM_001425200.1); c.990C>T, p.Ser330= (NM_001425203.1, NM_001425204.1, NM_001425205.1 and 2 more transcripts); and 1 more.
Identifiers: ClinVar variation 4977358 (VCV004977358.1).